The following is an entry in ClinVar:

ClinVar aggregate classification (germline): Benign (0 of 4 stars; one submission).

Conditions:
MAP4-related disorder. Also called: MAP4-related condition.

Allele frequency attached by ClinVar (database versions not stated): ExAC 0.00334; ESP Exome Variant Server 0.00169; 1000 Genomes Project 30x 0.00375; TOPMed 0.00106; 1000 Genomes Project 0.00479.
gnomAD v4.1: 3,422 of 1,613,974 alleles (0.21%); highest among the groups gnomAD compares: South Asian, 1.7%; 32 homozygotes.

Submission:

PreventionGenetics, part of Exact Sciences
Classification: Benign for MAP4-related condition. Last evaluated: 2019-02-20. Review status: no assertion criteria provided. Collection method: clinical testing. Allele origin: germline.
Comment: This variant is classified as benign based on ACMG/AMP sequence variant interpretation guidelines (Richards et al. 2015 PMID: 25741868, with internal and published modifications).

NM_001385682.1(MAP4):c.5466G>C (p.Val1822=)

Gene: MAP4 (microtubule associated protein 4; minus strand). Cytogenetic location: 3p21.31.
Variant type: single nucleotide variant.
Coding change: c.5466G>C on transcript NM_001385682.1 (MANE Select); coding-DNA position 5466, G replaced by C.
Protein change: p.Val1822=; no amino-acid change (valine 1822 retained).
Molecular consequence: synonymous variant.
Genome position (GRCh38, 1-based): chr3:47,877,492, C>G on the plus strand (G>C on the coding strand, the complement: MAP4 is on the minus strand). VCF-style: chr3-47877492-C-G. GRCh37 (hg19) VCF-style: chr3-47918982-C-G.
Other names: c.2031G>C, p.Val677= (NM_001384838.1, NM_001384840.1, NM_001384844.1 and 39 more transcripts); c.1710G>C, p.Val570= (NM_001384839.1, NM_001384845.1, NM_001384867.1); c.1917G>C, p.Val639= (NM_001384841.1, NM_001384851.1, NM_001384876.1 and 4 more transcripts); c.1794G>C, p.Val598= (NM_001384842.1, NM_001384843.1, NM_001384803.1 and 1 more transcripts); c.1992G>C, p.Val664= (NM_001384849.1); c.1908G>C, p.Val636= (NM_001384850.1, NM_001384853.1, NM_001384866.1 and 15 more transcripts); c.1398G>C, p.Val466= (NM_001384856.1, NM_001384778.1); c.1962G>C, p.Val654= (NM_001384857.1, NM_001384869.1, NM_001384730.1 and 9 more transcripts); and 17 more.
Identifiers: ClinVar variation 3039645 (VCV003039645.2), dbSNP rs35521469, ClinGen allele CA2370968.
Genomic context (GRCh38, chr3:47,877,492, plus strand): 5'-TGGGCTTGGTGGGAGCTCCTTGTTCGGTGGGGTGGTGATGTCATTTCCTGTCCCACTCAC[C>G]ACAGGCCTTCCTTCTTCTGGCCTGGCTATTCCTAAGGGGAGAGGGTGAGTGGGAATTATG-3'
Protein context (NP_001372611.1, residues 1812-1832): GIARPEEGRP[Val1822=]VSGTGNDITT